The following is an entry in ClinVar:

NM_133261.3(GIPC3):c.712G>C (p.Glu238Gln)

Gene: GIPC3 (GIPC PDZ domain containing family member 3; plus strand). Cytogenetic location: 19p13.3.
Variant type: single nucleotide variant.
Coding change: c.712G>C on transcript NM_133261.3 (MANE Select); coding-DNA position 712, G replaced by C.
Protein change: p.Glu238Gln; replaces glutamic acid 238 with glutamine.
Molecular consequence: missense variant.
Genome position (GRCh38, 1-based): chr19:3,589,837, G>C. VCF-style: chr19-3589837-G-C. GRCh37 (hg19) VCF-style: chr19-3589835-G-C.
Other names: c.712G>C, p.Glu238Gln (NM_001411144.1); short protein forms E238Q.
Identifiers: ClinVar variation 2430704 (VCV002430704.1), dbSNP rs1477018298, ClinGen allele CA403364441.
Genomic context (GRCh38, chr19:3,589,837, plus strand): 5'-GGCTGGAGGGCTCCAAAGCTTTTCACCCCTGACTTCCCTCCCGTGTGCCCCCAGCCCAGT[G>C]AGTTTGAGGAGGAGGCATCTCGGAAGGTTGATGACCTGCTGGAAAGCTACATGGGCATTC-3'
Protein context (NP_573568.1, residues 228-248): GAATVEEAPS[Glu238Gln]FEEEASRKVD

ClinVar aggregate classification (germline): Uncertain significance (1 of 4 stars; one submission).

gnomAD v4.1: 1 of 1,613,736 alleles (0.000062%); highest among the groups gnomAD compares: Non-Finnish European, 0.000085%; no homozygotes.

Submission:

GeneDx
Classification: Uncertain significance. Last evaluated: 2022-08-19. Review status: criteria provided, single submitter. Criteria: GeneDx Variant Classification Process June 2021. Collection method: clinical testing. Allele origin: germline. Affected: yes.
Comment: Not observed at significant frequency in large population cohorts (gnomAD); In silico analysis supports that this missense variant does not alter protein structure/function; Has not been previously published as pathogenic or benign to our knowledge